The following is an entry in ClinVar:

NM_001041.4(SI):c.4964G>A (p.Arg1655Gln)

Gene: SI (sucrase-isomaltase; minus strand). Cytogenetic location: 3q26.1.
Variant type: single nucleotide variant.
Coding change: c.4964G>A on transcript NM_001041.4 (MANE Select); coding-DNA position 4964, G replaced by A.
Protein change: p.Arg1655Gln; replaces arginine 1655 with glutamine.
Molecular consequence: missense variant.
Genome position (GRCh38, 1-based): chr3:164,992,196, C>T on the plus strand (G>A on the coding strand, the complement: SI is on the minus strand). VCF-style: chr3-164992196-C-T. GRCh37 (hg19) VCF-style: chr3-164709984-C-T.
Other names: short protein forms R1655Q.
Identifiers: ClinVar variation 2381702 (VCV002381702.3), dbSNP rs752540924, ClinGen allele CA2689717.
Genomic context (GRCh38, chr3:164,992,196, plus strand): 5'-TTTCTGTTTAGTTAATTCCCCAGAATTCCTTAAATACTTACTGTATGGTAGTCAAACCAC[C>T]GAGCATTGGGGACGTAGGCATTTACAGTTTGAACATACTGGAATGTAAATAAATAGCCAT-3'
Protein context (NP_001032.2, residues 1645-1665): QTVNAYVPNA[Arg1655Gln]WFDYHTGKDI

ClinVar aggregate classification (germline): Uncertain significance. Review status: criteria provided, multiple submitters, no conflicts (2 of 4 stars). 2 submissions from 2 submitters: Uncertain significance (2). Last evaluated 2024-07-10.

Conditions:
Inborn genetic diseases. Identifiers: MedGen C0950123, MeSH D030342.

Allele frequency attached by ClinVar (database versions not stated): ExAC 0.00002.
gnomAD v4.1: 31 of 1,611,334 alleles (0.0019%); highest among the groups gnomAD compares: Non-Finnish European, 0.0024%; no homozygotes.

Submissions (2):

GeneDx
Classification: Uncertain significance. Last evaluated: 2024-07-10. Review status: criteria provided, single submitter. Criteria: GeneDx Variant Classification Process June 2021. Collection method: clinical testing. Allele origin: germline. Affected: yes.
Comment: In silico analysis supports that this missense variant has a deleterious effect on protein structure/function; Has not been previously published as pathogenic or benign to our knowledge

Ambry Genetics
Classification: Uncertain significance for Inborn genetic diseases. Last evaluated: 2022-11-18. Review status: criteria provided, single submitter. Criteria: Ambry Variant Classification Scheme 2023. Collection method: clinical testing. Allele origin: germline.